The following is an entry in ClinVar:

NM_080680.3(COL11A2):c.2087_2090del (p.Glu696fs)

Gene: COL11A2 (collagen type XI alpha 2 chain; minus strand). Cytogenetic location: 6p21.32.
Variant type: Microsatellite.
Coding change: c.2087_2090del on transcript NM_080680.3 (MANE Select); coding-DNA positions 2087 to 2090, 4 bases deleted (AAGG; older notation c.2087_2090delAAGG).
Protein change: p.Glu696fs; shifts the reading frame from glutamic acid 696.
Molecular consequence: frameshift variant.
Genome position (GRCh38, 1-based): chr6:33,176,746-33,176,749, CCTT deleted on the plus strand (AAGG on the coding strand, the reverse complement: COL11A2 is on the minus strand); deleting any 4 consecutive bases within chr6:33,176,746-33,176,755 gives the same sequence; the c. name uses the placement nearest the transcript's 3' end. VCF-style (leftmost placement, unchanged base first): chr6-33176745-ACCTT-A. GRCh37 (hg19) VCF-style: chr6-33144522-ACCTT-A.
Other names: c.1766_1769del, p.Glu589fs (NM_080679.3); c.1829_1832del, p.Glu610fs (NM_080681.3); short protein forms E589fs, E610fs, E696fs.
Identifiers: ClinVar variation 807387 (VCV000807387.20), dbSNP rs1583335192, ClinGen allele CA915944206.

ClinVar aggregate classification (germline): Pathogenic. Review status: criteria provided, single submitter (1 of 4 stars). 3 submissions from 3 submitters: Pathogenic (1). 2 of the submissions do not count toward it. Last evaluated 2019-06-03.

Conditions:
Fibrochondrogenesis 2 (FBCG2). Identifiers: Orphanet 2021, MedGen C3281128, MONDO:0013795, OMIM 614524.
Otospondylomegaepiphyseal dysplasia, autosomal recessive (OSMEDB). Also called: Insley-Astley syndrome; CHONDRODYSTROPHY WITH SENSORINEURAL DEAFNESS. Identifiers: Orphanet 1427, MedGen CN034493, MONDO:0044206, OMIM 215150.
Autosomal dominant nonsyndromic hearing loss 13. Identifiers: Orphanet 90635, MedGen C1866095, MONDO:0011159, OMIM 601868.

Submissions (3):

Institute of Human Genetics Munich, TUM University Hospital
Classification: Pathogenic for Fibrochondrogenesis 2. Last evaluated: 2019-06-03. Review status: criteria provided, single submitter. Criteria: Classification criteria August 2017. Collection method: clinical testing. Allele origin: inherited. Inheritance: Autosomal recessive inheritance. Affected: yes. Observed: 1 homozygote.

Clinical Laboratory Sciences Program (CLSP), King Saud bin Abdulaziz University for Health Sciences (KSAU-HS)
Classification: Likely pathogenic for Autosomal dominant nonsyndromic hearing loss 13. Last evaluated: 2023-04-01. Review status: no assertion criteria provided. Collection method: clinical testing. Allele origin: germline. Affected: yes. Not counted in ClinVar's aggregate classification.

Institute of Human Genetics, Cologne University
Classification: Pathogenic for Otospondylomegaepiphyseal dysplasia, autosomal recessive. Last evaluated: 2020-09-28. Review status: no assertion criteria provided. Collection method: clinical testing. Allele origin: germline. Inheritance: Autosomal recessive inheritance. Affected: yes. Not counted in ClinVar's aggregate classification.
Comment: PVS1, PM2, PM3_supporting as ist was in homozygous condition in the patient